The following is an entry in ClinVar:

ClinVar aggregate classification (germline): Pathogenic. Review status: criteria provided, multiple submitters, no conflicts (2 of 4 stars). 2 submissions from 2 submitters: Pathogenic (2). Last evaluated 2026-09-08.

Conditions:
Fabry disease. Also called: GLA DEFICIENCY; Fabry's disease; ALPHA-GALACTOSIDASE A DEFICIENCY; ANDERSON-FABRY DISEASE; CERAMIDE TRIHEXOSIDASE DEFICIENCY; Ceramide trihexosidosis. Identifiers: Orphanet 324, MedGen C0002986, MONDO:0010526, OMIM 301500, HP:0001071. Disease mechanism: Fabry disease is due to inactivating mutations in the X-linked GLA gene resulting in deficiency of the enzyme Alpha Galactosidase-A., loss of function.

Submissions (2):

Genomenon, Inc
Classification: Pathogenic for Fabry disease. Last evaluated: 2026-09-08. Review status: criteria provided, single submitter. Criteria: Genomenon Sequence Variant Interpretation Standards - Updated. Collection method: curation. Allele origin: germline. Affected: yes.
Comment: GLA p.Pro409Ala (c.1225C>G) is a missense variant that changes the amino acid at codon 409 from Proline to Alanine. This variant has been observed in at least one proband with clinical features consistent with Fabry disease (PMID:40692291;18387337;11668641;12428061;14505049;12175777;30594474). The variant was found to segregate with disease in at least one affected family (PMID:40692291). At least one functional study has demonstrated a substantial alteration in protein function relative to the wild-type (PMID:21598360;27657681). It is absent or not present at a significant frequency in gnomAD. In silico models predict that this variant is possibly or probably damaging. In conclusion, we classify GLA p.Pro409Ala (c.1225C>G) as a pathogenic variant.

Women's Health and Genetics/Laboratory Corporation of America, LabCorp
Classification: Pathogenic for Fabry disease. Last evaluated: 2017-01-25. Review status: criteria provided, single submitter. Criteria: LabCorp Variant Classification Summary - May 2015. Collection method: clinical testing. Allele origin: germline.
Comment: Variant summary: The GLA c.1225C>G (p.Pro409Ala) variant involves the alteration of a conserved nucleotide. 5/5 in silico tools predict a damaging outcome for this variant. This variant is absent in 87694 control chromosomes, but has been reported in affected individuals in the literature. Additionally, alpha-Gal activity was reported as <10% in HEK-293 cells bearing this mutation. Taken together, this variant is classified as pathogenic.

Literature cited by the submitters: PubMed 40692291 (cited by Genomenon, Inc); PubMed 18387337 (cited by Genomenon, Inc and Women's Health and Genetics/Laboratory Corporation of America, LabCorp); PubMed 11668641 (cited by Genomenon, Inc and Women's Health and Genetics/Laboratory Corporation of America, LabCorp); PubMed 12428061 (cited by Genomenon, Inc); PubMed 14505049 (cited by Genomenon, Inc); PubMed 12175777 (cited by Genomenon, Inc and Women's Health and Genetics/Laboratory Corporation of America, LabCorp); PubMed 30594474 (cited by Genomenon, Inc); PubMed 21598360 (cited by Genomenon, Inc and Women's Health and Genetics/Laboratory Corporation of America, LabCorp); PubMed 27657681 (cited by Genomenon, Inc).

NM_000169.3(GLA):c.1225C>G (p.Pro409Ala)

Genes: GLA (galactosidase alpha; minus strand), RPL36A-HNRNPH2 (RPL36A-HNRNPH2 readthrough; plus strand). Cytogenetic location: Xq22.1.
Variant type: single nucleotide variant.
Coding change: c.1225C>G on transcript NM_000169.3 (MANE Select); coding-DNA position 1225, C replaced by G.
Protein change: p.Pro409Ala; replaces proline 409 with alanine.
Molecular consequence: missense variant. On other transcripts: non-coding transcript variant (3), intron variant (2).
Genome position (GRCh38, 1-based): chrX:101,397,874, G>C on the plus strand (C>G on the coding strand, the complement: GLA is on the minus strand). VCF-style: chrX-101397874-G-C. GRCh37 (hg19) VCF-style: chrX-100652862-G-C.
Other names: c.1348C>G, p.Pro450Ala (NM_001406747.1); c.300+2417G>C (NM_001199973.2); c.177+6052G>C (NM_001199974.2); short protein forms P409A, P450A.
Identifiers: ClinVar variation 495691 (VCV000495691.3), dbSNP rs878853698, ClinGen allele CA413919170.